The following is an entry in ClinVar:

NM_001365308.1(BMPER):c.1621C>T (p.Pro541Ser)

Gene: BMPER (BMP binding endothelial regulator; plus strand). Cytogenetic location: 7p14.3.
Variant type: single nucleotide variant.
Coding change: c.1621C>T on transcript NM_001365308.1 (MANE Select); coding-DNA position 1621, C replaced by T.
Protein change: p.Pro541Ser; replaces proline 541 with serine.
Molecular consequence: missense variant.
Genome position (GRCh38, 1-based): chr7:34,085,968, C>T. VCF-style: chr7-34085968-C-T. GRCh37 (hg19) VCF-style: chr7-34125580-C-T.
Other names: c.1291C>T, p.Pro431Ser (NM_001410872.1); c.1621C>T, p.Pro541Ser (NM_133468.5); short protein forms P431S, P541S.
Identifiers: ClinVar variation 1961621 (VCV001961621.5), dbSNP rs1262393329, ClinGen allele CA367184066.

ClinVar aggregate classification (germline): Uncertain significance (1 of 4 stars; one submission).

Allele frequency attached by ClinVar (database versions not stated): gnomAD exomes below 0.00001.

Submission:

Labcorp Genetics (formerly Invitae), Labcorp
Classification: Uncertain significance. Last evaluated: 2022-02-24. Review status: criteria provided, single submitter. Criteria: Invitae Variant Classification Sherloc (09022015). Collection method: clinical testing. Allele origin: germline.
Comment: This variant has not been reported in the literature in individuals affected with BMPER-related conditions. Algorithms developed to predict the effect of missense changes on protein structure and function (SIFT, PolyPhen-2, Align-GVGD) all suggest that this variant is likely to be tolerated. In summary, the available evidence is currently insufficient to determine the role of this variant in disease. Therefore, it has been classified as a Variant of Uncertain Significance. This variant is present in population databases (no rsID available, gnomAD 0.006%). This sequence change replaces proline, which is neutral and non-polar, with serine, which is neutral and polar, at codon 541 of the BMPER protein (p.Pro541Ser).